The following is an entry in ClinVar:

ClinVar aggregate classification (germline): Uncertain significance (1 of 4 stars; one submission).

Conditions:
Pitt-Hopkins-like syndrome 2 (PTHSL2). Identifiers: Orphanet 221150, Orphanet 600663, MedGen C3280479, MONDO:0013690, OMIM 614325.

Allele frequency attached by ClinVar (database versions not stated): gnomAD exomes 0.00001; TOPMed 0.00001.
gnomAD v4.1: 10 of 1,612,138 alleles (0.00062%); highest among the groups gnomAD compares: East Asian, 0.018%; no homozygotes.

Submission:

Labcorp Genetics (formerly Invitae), Labcorp
Classification: Uncertain significance for Pitt-Hopkins-like syndrome 2. Last evaluated: 2022-09-27. Review status: criteria provided, single submitter. Criteria: Invitae Variant Classification Sherloc (09022015). Collection method: clinical testing. Allele origin: germline.
Comment: This sequence change replaces isoleucine, which is neutral and non-polar, with threonine, which is neutral and polar, at codon 130 of the NRXN1 protein (p.Ile130Thr). This variant is present in population databases (no rsID available, gnomAD 0.006%). This variant has not been reported in the literature in individuals affected with NRXN1-related conditions. ClinVar contains an entry for this variant (Variation ID: 933774). Algorithms developed to predict the effect of missense changes on protein structure and function are either unavailable or do not agree on the potential impact of this missense change (SIFT: "Deleterious"; PolyPhen-2: "Benign"; Align-GVGD: "Class C0"). In summary, the available evidence is currently insufficient to determine the role of this variant in disease. Therefore, it has been classified as a Variant of Uncertain Significance.

NM_001330078.2(NRXN1):c.389T>C (p.Ile130Thr)

Gene: NRXN1 (neurexin 1; minus strand). Cytogenetic location: 2p16.3.
Variant type: single nucleotide variant.
Coding change: c.389T>C on transcript NM_001330078.2 (MANE Select); coding-DNA position 389, T replaced by C.
Protein change: p.Ile130Thr; replaces isoleucine 130 with threonine.
Molecular consequence: missense variant.
Genome position (GRCh38, 1-based): chr2:51,027,885, A>G on the plus strand (T>C on the coding strand, the complement: NRXN1 is on the minus strand). VCF-style: chr2-51027885-A-G. GRCh37 (hg19) VCF-style: chr2-51255023-A-G.
Other names: c.389T>C, p.Ile130Thr (NM_001135659.3, NM_001330077.2, NM_001330079.2 and 15 more transcripts); short protein forms I130T.
Identifiers: ClinVar variation 933774 (VCV000933774.9), dbSNP rs1456511922, ClinGen allele CA346824106.
Genomic context (GRCh38, chr2:51,027,885, plus strand): 5'-AACACCGTCATGTCCCTGCGCTTGGACTTGACCTCCACCCACTTGGCCTCCACCTGGTCG[A>G]TGAAGAGCGTGGTGTTGCGGAACTGGCGGCGGATGCGCACGCTGTGCCAGGCGCCGTCGT-3'
Protein context (NP_001317007.1, residues 120-140): RRQFRNTTLF[Ile130Thr]DQVEAKWVEV